The following is an entry in ClinVar:

ClinVar aggregate classification (germline): Uncertain significance (1 of 4 stars; one submission).

Submission:

GeneDx
Classification: Uncertain significance. Last evaluated: 2024-09-10. Review status: criteria provided, single submitter. Criteria: GeneDx Variant Classification Process June 2021. Collection method: clinical testing. Allele origin: germline. Affected: yes.
Comment: Not observed at significant frequency in large population cohorts (gnomAD); In silico analysis supports that this missense variant has a deleterious effect on protein structure/function; Has not been previously published as pathogenic or benign to our knowledge

NM_000540.3(RYR1):c.10096C>G (p.Arg3366Gly)

Gene: RYR1 (ryanodine receptor 1; plus strand). Cytogenetic location: 19q13.2.
Variant type: single nucleotide variant.
Coding change: c.10096C>G on transcript NM_000540.3 (MANE Select); coding-DNA position 10096, C replaced by G.
Protein change: p.Arg3366Gly; replaces arginine 3366 with glycine.
Molecular consequence: missense variant.
Genome position (GRCh38, 1-based): chr19:38,519,291, C>G. VCF-style: chr19-38519291-C-G. GRCh37 (hg19) VCF-style: chr19-39009931-C-G.
Other names: c.10096C>G, p.Arg3366Gly (NM_001042723.2); short protein forms R3366G.
Identifiers: ClinVar variation 3767799 (VCV003767799.1).
Genomic context (GRCh38, chr19:38,519,291, plus strand): 5'-GTGAGCCGTGCACGGCCGGAGCTCCTGCAGTCCCACTTCATCCCAACTATCGGGCGGCTG[C>G]GCAAGAGGGCAGGGAAGGTGGTGTCCGAGGAGGAGCAGCTGCGCCTGGAGGCCAAGGCGG-3'
Protein context (NP_000531.2, residues 3356-3376): SHFIPTIGRL[Arg3366Gly]KRAGKVVSEE